The following is an entry in ClinVar:

ClinVar aggregate classification (germline): Uncertain significance (1 of 4 stars; one submission).

Conditions:
Familial hypocalciuric hypercalcemia (FHH). Also called: Familial benign hypercalcemia. Identifiers: Orphanet 405, MedGen C1809471, MONDO:0018458.
Autosomal dominant hypocalcemia 1 (HYPOC1). Also called: HYPOCALCEMIA, FAMILIAL. Identifiers: MedGen C3715128, MONDO:0011013, OMIM 601198.

Submission:

Labcorp Genetics (formerly Invitae), Labcorp
Classification: Uncertain significance for Familial hypocalciuric hypercalcemia; Autosomal dominant hypocalcemia 1. Last evaluated: 2025-01-07. Review status: criteria provided, single submitter. Criteria: Invitae Variant Classification Sherloc (09022015). Collection method: clinical testing. Allele origin: germline.
Comment: This sequence change replaces phenylalanine, which is neutral and non-polar, with cysteine, which is neutral and slightly polar, at codon 790 of the CASR protein (p.Phe790Cys). This variant is not present in population databases (gnomAD no frequency). This variant has not been reported in the literature in individuals affected with CASR-related conditions. ClinVar contains an entry for this variant (Variation ID: 2187386). An algorithm developed to predict the effect of missense changes on protein structure and function (PolyPhen-2) suggests that this variant is likely to be disruptive. In summary, the available evidence is currently insufficient to determine the role of this variant in disease. Therefore, it has been classified as a Variant of Uncertain Significance.

NM_000388.4(CASR):c.2369T>G (p.Phe790Cys)

Gene: CASR (calcium sensing receptor; plus strand). Cytogenetic location: 3q21.1.
Variant type: single nucleotide variant.
Coding change: c.2369T>G on transcript NM_000388.4 (MANE Select); coding-DNA position 2369, T replaced by G.
Protein change: p.Phe790Cys; replaces phenylalanine 790 with cysteine.
Molecular consequence: missense variant.
Genome position (GRCh38, 1-based): chr3:122,284,323, T>G. VCF-style: chr3-122284323-T-G. GRCh37 (hg19) VCF-style: chr3-122003170-T-G.
Other names: c.2399T>G, p.Phe800Cys (NM_001178065.2); short protein forms F790C, F800C.
Identifiers: ClinVar variation 2187386 (VCV002187386.4), dbSNP rs2473279743, ClinGen allele CA354159647.